The following is an entry in ClinVar:

ClinVar aggregate classification (germline): Likely pathogenic. Review status: criteria provided, single submitter (1 of 4 stars). 3 submissions from 3 submitters: Likely pathogenic (1). 2 of the submissions do not count toward it. Last evaluated 2026-01-13.

Conditions:
Mucopolysaccharidosis, MPS-IV-B (MPS4B). Also called: MPS IVB; Mucopolysaccharidosis type IV B; Mucopolysaccharidosis Type IVB (Morquio B Disease); MORQUIO SYNDROME B; Mucopolysaccharidosis Type IVB; Mucopolysaccharidosis type 4B. Identifiers: Orphanet 309310, Orphanet 582, MedGen C0086652, MONDO:0009660, OMIM 253010.
GM1 gangliosidosis type 2. Also called: GANGLIOSIDOSIS, GENERALIZED GM1, JUVENILE TYPE; GANGLIOSIDOSIS, GENERALIZED GM1, TYPE II; Gangliosidosis, Generalized GM1, Type 2; Juvenile GM>1< gangliosidosis; GM1-GANGLIOSIDOSIS, TYPE II. Identifiers: Orphanet 354, Orphanet 79256, MedGen C0268272, MONDO:0009261, OMIM 230600.
Infantile GM1 gangliosidosis. Also called: GM1-gangliosidosis, type I; Gangliosidosis, generalized GM1, infantile form; GLB1 deficiency; Gangliosidosis, Generalized GM1, Type 1; GM1 gangliosidosis type 1. Identifiers: Orphanet 354, Orphanet 79255, MedGen C0268271, MONDO:0009260, OMIM 230500.
GM1 gangliosidosis type 3. Also called: GANGLIOSIDOSIS, GENERALIZED GM1, ADULT TYPE; GANGLIOSIDOSIS, GENERALIZED GM1, CHRONIC TYPE; GANGLIOSIDOSIS, GENERALIZED GM1, TYPE III; Gangliosidosis, Generalized GM1, Type 3; GM1-GANGLIOSIDOSIS, TYPE III; Beta-galactosidase deficiency. Identifiers: Orphanet 79257, MedGen C0268273, MONDO:0009262, OMIM 230650.

Submissions (3):

Natera, Inc.
Classification: Likely pathogenic for Mucopolysaccharidosis, MPS-IV-B. Last evaluated: 2026-01-13. Review status: criteria provided, single submitter. Criteria: Natera Variant Classification Schema (03/2026). Collection method: clinical testing. Allele origin: germline.
Comment: The c.1223A>C variant in GLB1 is a missense variant predicted to cause substitution of glutamine to proline at amino acid 408. This variant is rare in the general population with a frequency below the threshold expected for the associated phenotype(s). This variant has been observed in one or more individuals affected with the associated recessive disease, as either homozygous or compound heterozygous with a second variant (PMID: 19472408). Functional studies show that this variant may disrupt protein function (PMID: 19472408). Given the available evidence, this variant is classified as Likely Pathogenic.

Counsyl
Classification: Uncertain significance for Infantile GM1 gangliosidosis; GM1 gangliosidosis type 2; GM1 gangliosidosis type 3; Mucopolysaccharidosis, MPS-IV-B. Last evaluated: 2017-06-21. Review status: no assertion criteria provided. Collection method: clinical testing. Allele origin: unknown. Not counted in ClinVar's aggregate classification.

OMIM
Classification: Pathogenic for MUCOPOLYSACCHARIDOSIS, TYPE IVB. Last evaluated: 2001-08-01. Review status: no assertion criteria provided. Collection method: literature only. Allele origin: germline. Not counted in ClinVar's aggregate classification.

Literature cited by the submitters: PubMed 19472408 (cited by Natera, Inc. and Counsyl); PubMed 11511921 (cited by Counsyl and OMIM); PubMed 21520340 (cited by Counsyl).

NM_000404.4(GLB1):c.1223A>C (p.Gln408Pro)

Gene: GLB1 (galactosidase beta 1; minus strand). Cytogenetic location: 3p22.3.
Variant type: single nucleotide variant.
Coding change: c.1223A>C on transcript NM_000404.4 (MANE Select); coding-DNA position 1223, A replaced by C.
Protein change: p.Gln408Pro; replaces glutamine 408 with proline.
Molecular consequence: missense variant.
Genome position (GRCh38, 1-based): chr3:33,021,576, T>G on the plus strand (A>C on the coding strand, the complement: GLB1 is on the minus strand). VCF-style: chr3-33021576-T-G. GRCh37 (hg19) VCF-style: chr3-33063068-T-G.
Other names: c.1223A>C (NM_000404.3); c.1133A>C, p.Gln378Pro (NM_001079811.3); c.830A>C, p.Gln277Pro (NM_001135602.3); c.1367A>C, p.Gln456Pro (NM_001317040.2); c.1223A>C, p.Gln408Pro (NM_001393580.1); short protein forms Q408P, Q277P, Q378P, Q456P.
Identifiers: ClinVar variation 943 (VCV000000943.5), dbSNP rs72555369, ClinGen allele CA114662.